The following is an entry in ClinVar:

NM_015271.5(TRIM2):c.506C>T (p.Thr169Met)

Gene: TRIM2 (tripartite motif containing 2; plus strand). Cytogenetic location: 4q31.3.
Variant type: single nucleotide variant.
Coding change: c.506C>T on transcript NM_015271.5 (MANE Select); coding-DNA position 506, C replaced by T.
Protein change: p.Thr169Met; replaces threonine 169 with methionine.
Molecular consequence: missense variant. On other transcripts: intron variant (2).
Genome position (GRCh38, 1-based): chr4:153,293,034, C>T. VCF-style: chr4-153293034-C-T. GRCh37 (hg19) VCF-style: chr4-154214186-C-T.
Other names: c.425C>T, p.Thr142Met (NM_001130067.2, NM_001351056.2, NM_001375512.1 and 5 more transcripts); c.479C>T, p.Thr160Met (NM_001351054.2); c.476C>T, p.Thr159Met (NM_001351055.2); c.50C>T, p.Thr17Met (NM_001351057.2); c.599C>T, p.Thr200Met (NM_001375488.1); c.596C>T, p.Thr199Met (NM_001375489.1); c.506C>T, p.Thr169Met (NM_001375490.1); c.503C>T, p.Thr168Met (NM_001375491.1); and 3 more; short protein forms T160M, T168M, T17M, T142M, T169M, T56M, T159M, T199M.
Identifiers: ClinVar variation 1367151 (VCV001367151.7), dbSNP rs762398531, ClinGen allele CA3108563.
Genomic context (GRCh38, chr4:153,293,034, plus strand): 5'-ATCCACAGGTGATGGAATTTTACTGCCAGTCCTGTGAGACTGCCATGTGTCGGGAGTGCA[C>T]GGAGGGGGAGCACGCAGAGCACCCCACAGTTCCACTCAAGGATGTGGTGGAACAGCACAA-3'
Protein context (NP_056086.2, residues 159-179): SCETAMCREC[Thr169Met]EGEHAEHPTV

ClinVar aggregate classification (germline): Uncertain significance (1 of 4 stars; one submission).

Conditions:
Charcot-Marie-Tooth disease type 2R. Also called: Charcot-Marie-Tooth disease, axonal, type 2R; CHARCOT-MARIE-TOOTH NEUROPATHY, TYPE 2R; CHARCOT-MARIE-TOOTH DISEASE, AXONAL, AUTOSOMAL RECESSIVE, TYPE 2R. Identifiers: Orphanet 397968, MedGen C3809655, MONDO:0014208, OMIM 615490.

Allele frequency attached by ClinVar (database versions not stated): gnomAD 0.00001; gnomAD exomes 0.00002; ExAC 0.00003.
gnomAD v4.1: 33 of 1,613,374 alleles (0.002%); highest among the groups gnomAD compares: South Asian, 0.0088%; no homozygotes.

Submission:

Labcorp Genetics (formerly Invitae), Labcorp
Classification: Uncertain significance for Charcot-Marie-Tooth disease type 2R. Last evaluated: 2023-09-12. Review status: criteria provided, single submitter. Criteria: Invitae Variant Classification Sherloc (09022015). Collection method: clinical testing. Allele origin: germline.
Comment: In summary, the available evidence is currently insufficient to determine the role of this variant in disease. Therefore, it has been classified as a Variant of Uncertain Significance. An algorithm developed to predict the effect of missense changes on protein structure and function (PolyPhen-2) suggests that this variant is likely to be tolerated. ClinVar contains an entry for this variant (Variation ID: 1367151). This variant has not been reported in the literature in individuals affected with TRIM2-related conditions. This variant is present in population databases (rs762398531, gnomAD 0.01%). This sequence change replaces threonine, which is neutral and polar, with methionine, which is neutral and non-polar, at codon 142 of the TRIM2 protein (p.Thr142Met).